The following is an entry in ClinVar:

NM_000049.4(ASPA):c.456_459del (p.Cys152fs)

Genes: ASPA (aspartoacylase; plus strand), SPATA22 (spermatogenesis associated 22; minus strand). Cytogenetic location: 17p13.2.
Variant type: Deletion.
Coding change: c.456_459del on transcript NM_000049.4 (MANE Select); coding-DNA positions 456 to 459, 4 bases deleted (CTAC; older notation c.456_459delCTAC).
Protein change: p.Cys152fs; shifts the reading frame from cysteine 152.
Molecular consequence: frameshift variant. On other transcripts: intron variant (2).
Genome position (GRCh38, 1-based): chr17:3,483,522-3,483,525, CTAC deleted. VCF-style (leftmost placement, unchanged base first): chr17-3483521-GCTAC-G. GRCh37 (hg19) VCF-style: chr17-3386815-GCTAC-G.
Other names: c.456_459del, p.Cys152fs (NM_001128085.1); c.-73-14127_-73-14124del (NM_001321336.2, NM_001321337.2); short protein forms C152fs.
Identifiers: ClinVar variation 1724197 (VCV001724197.5), dbSNP rs2543624410, ClinGen allele CA2580092483.
Genomic context (GRCh38, chr17:3,483,521, plus strand): 5'-GGTTTTTACCTAAGAAAGACGTTTTTGATTTTTTTCAGACTTCTCTGGCTCCACTACCCT[GCTAC>G]GTTTATCTGATTGAGCATCCTTCCCTCAAATATGCGACCACTCGTTCCATAGCCAAGTAT-3'

ClinVar aggregate classification (germline): Pathogenic/Likely pathogenic. Review status: criteria provided, multiple submitters, no conflicts (2 of 4 stars). 3 submissions from 3 submitters: Pathogenic (1); Likely pathogenic (2). Last evaluated 2025-10-06.

Conditions:
Spongy degeneration of central nervous system. Also called: ACY2 DEFICIENCY; AMINOACYLASE 2 DEFICIENCY; ASP DEFICIENCY; ASPA DEFICIENCY; ASPARTOACYLASE DEFICIENCY; CANAVAN-VAN BOGAERT-BERTRAND DISEASE. Identifiers: Orphanet 141, MedGen C0206307, MONDO:0010079, OMIM 271900.

Submissions (3):

Natera, Inc.
Classification: Likely pathogenic for Canavan Disease. Last evaluated: 2025-10-06. Review status: criteria provided, single submitter. Criteria: Natera Variant Classification Schema (03/2026). Collection method: clinical testing. Allele origin: germline.
Comment: The c.456_459delCTAC variant in ASPA is a frameshift variant predicted to shift the reading frame beginning at codon 152 and leads to a stop codon 4 codons downstream. This variant is expected to result in nonsense mediated decay, truncation, or a dysfunctional protein product. This variant is rare in the general population with a frequency below the threshold expected for the associated phenotype(s). Given the available evidence, this variant is classified as Likely Pathogenic.

Labcorp Genetics (formerly Invitae), Labcorp
Classification: Pathogenic for Spongy degeneration of central nervous system. Last evaluated: 2025-03-17. Review status: criteria provided, single submitter. Criteria: Invitae Variant Classification Sherloc (09022015). Collection method: clinical testing. Allele origin: germline.
Comment: This sequence change creates a premature translational stop signal (p.Cys152Trpfs*4) in the ASPA gene. It is expected to result in an absent or disrupted protein product. Loss-of-function variants in ASPA are known to be pathogenic (PMID: 12638939). This variant is not present in population databases (gnomAD no frequency). This variant has not been reported in the literature in individuals affected with ASPA-related conditions. ClinVar contains an entry for this variant (Variation ID: 1724197). For these reasons, this variant has been classified as Pathogenic.

Myriad Genetics, Inc.
Classification: Likely pathogenic for Spongy degeneration of central nervous system. Last evaluated: 2021-11-07. Review status: criteria provided, single submitter. Criteria: Myriad Women's Health Autosomal Recessive and X-Linked Classification Criteria (2021). Collection method: clinical testing. Allele origin: unknown.
Comment: NM_000049.2(ASPA):c.456_459delCTAC(C152Wfs*4) is expected to be pathogenic in the context of Canavan disease. This variant is predicted to lead to an abnormal or absent protein product due to the creation of a premature termination codon in ASPA, a gene where loss-of-function variants are known to be pathogenic. Please note: this variant was assessed in the context of healthy population screening.

Literature cited by the submitters: PubMed 12638939 (cited by Labcorp Genetics (formerly Invitae), Labcorp).